The following is an entry in ClinVar:

ClinVar aggregate classification (germline): Uncertain significance. Review status: criteria provided, multiple submitters, no conflicts (2 of 4 stars). 3 submissions from 3 submitters: Uncertain significance (2). 1 of the submissions does not count toward it. Last evaluated 2025-12-09.

Conditions:
A2ML1-related disorder. Also called: A2ML1-related condition.

Allele frequency attached by ClinVar (database versions not stated): gnomAD exomes below 0.00001 and 0.00002; gnomAD 0.00001; TOPMed 0.00002.
gnomAD v4.1: 28 of 1,613,726 alleles (0.0017%); highest among the groups gnomAD compares: Middle Eastern, 0.05%; no homozygotes.

Submissions (3):

Labcorp Genetics (formerly Invitae), Labcorp
Classification: Uncertain significance. Last evaluated: 2025-12-09. Review status: criteria provided, single submitter. Criteria: Invitae Variant Classification Sherloc (09022015). Collection method: clinical testing. Allele origin: germline.
Comment: This sequence change replaces glutamic acid, which is acidic and polar, with glutamine, which is neutral and polar, at codon 667 of the A2ML1 protein (p.Glu667Gln). This variant is present in population databases (rs200251270, gnomAD 0.0009%). This variant has not been reported in the literature in individuals affected with A2ML1-related conditions. ClinVar contains an entry for this variant (Variation ID: 1444641). An algorithm developed to predict the effect of missense changes on protein structure and function outputs the following: PolyPhen-2: "Benign". The glutamine amino acid residue is found in multiple mammalian species, which suggests that this missense change does not adversely affect protein function. In summary, the available evidence is currently insufficient to determine the role of this variant in disease. Therefore, it has been classified as a Variant of Uncertain Significance.

Ambry Genetics
Classification: Uncertain significance. Last evaluated: 2025-09-01. Review status: criteria provided, single submitter. Criteria: Ambry Variant Classification Scheme 2023. Collection method: clinical testing. Allele origin: germline.

PreventionGenetics, part of Exact Sciences
Classification: Uncertain significance for A2ML1-related condition. Last evaluated: 2024-05-13. Review status: no assertion criteria provided. Collection method: clinical testing. Allele origin: germline. Not counted in ClinVar's aggregate classification.
Comment: The A2ML1 c.1999G>C variant is predicted to result in the amino acid substitution p.Glu667Gln. To our knowledge, this variant has not been reported in the literature. This variant is reported in 0.00089% of alleles in individuals of European (Non-Finnish) descent in gnomAD. At this time, the clinical significance of this variant is uncertain due to the absence of conclusive functional and genetic evidence.

NM_144670.6(A2ML1):c.1999G>C (p.Glu667Gln)

Gene: A2ML1 (alpha-2-macroglobulin like 1; plus strand). Cytogenetic location: 12p13.31.
Variant type: single nucleotide variant.
Coding change: c.1999G>C on transcript NM_144670.6 (MANE Select); coding-DNA position 1999, G replaced by C.
Protein change: p.Glu667Gln; replaces glutamic acid 667 with glutamine.
Molecular consequence: missense variant.
Genome position (GRCh38, 1-based): chr12:8,848,885, G>C. VCF-style: chr12-8848885-G-C. GRCh37 (hg19) VCF-style: chr12-9001481-G-C.
Other names: c.1999G>C (NM_144670.3, NM_144670.5); c.526G>C, p.Glu176Gln (NM_001282424.3); short protein forms E667Q, E176Q.
Identifiers: ClinVar variation 1444641 (VCV001444641.10), dbSNP rs200251270, ClinGen allele CA232683251.
Genomic context (GRCh38, chr12:8,848,885, plus strand): 5'-GACCCAATGCCCCAAGGGCATTCGAGCCAGCGTTCCATTATCTGGAGGCCCTCGTTCTCT[G>C]AAGGCACGGACCTTTTCAGCTTTTTCCGGGTAGGTCTTCTTACCCATTTTGTTCTTATGG-3'
Protein context (NP_653271.3, residues 657-677): RSIIWRPSFS[Glu667Gln]GTDLFSFFRD